The following is an entry in ClinVar:

NM_058216.3(RAD51C):c.1041A>G (p.Arg347=)

Gene: RAD51C (RAD51 paralog C; plus strand). Cytogenetic location: 17q22.
Variant type: single nucleotide variant.
Coding change: c.1041A>G on transcript NM_058216.3 (MANE Select); coding-DNA position 1041, A replaced by G.
Protein change: p.Arg347=; no amino-acid change (arginine 347 retained).
Molecular consequence: synonymous variant. On other transcripts: non-coding transcript variant (1).
Genome position (GRCh38, 1-based): chr17:58,734,132, A>G. VCF-style: chr17-58734132-A-G. GRCh37 (hg19) VCF-style: chr17-56811493-A-G.
Identifiers: ClinVar variation 3903639 (VCV003903639.1).

ClinVar aggregate classification (germline): Benign (1 of 4 stars; one submission).

Conditions:
Breast-ovarian cancer, familial, susceptibility to, 3. Also called: RAD51C-Related Breast/Ovarian Cancer. Identifiers: Orphanet 145, MedGen C3150659, MONDO:0013253, OMIM 613399.

Submission:

Myriad Genetics, Inc.
Classification: Benign for Breast-ovarian cancer, familial, susceptibility to, 3. Last evaluated: 2025-02-19. Review status: criteria provided, single submitter. Criteria: Myriad Autosomal Dominant, Autosomal Recessive and X-Linked Classification Criteria (2023). Collection method: clinical testing. Allele origin: unknown.
Comment: This variant is considered benign. This variant is a silent/synonymous amino acid change and it is not expected to impact splicing.